The following is an entry in ClinVar:

ClinVar aggregate classification (germline): Likely benign. Review status: criteria provided, multiple submitters, no conflicts (2 of 4 stars). 3 submissions from 3 submitters: Likely benign (3). Last evaluated 2026-09-01.

Conditions:
Inborn genetic diseases. Identifiers: MedGen C0950123, MeSH D030342.
Seizures, benign familial infantile, 3 (BFIS3). Also called: CONVULSIONS, BENIGN FAMILIAL INFANTILE, 3; Familial neonatal seizures. Identifiers: Orphanet 140927, Orphanet 306, MedGen C1843140, MONDO:0011904, OMIM 607745.
Developmental and epileptic encephalopathy, 11 (DEE11). Also called: Early infantile epileptic encephalopathy 11. Identifiers: Orphanet 1934, MedGen C3150987, MONDO:0013388, OMIM 613721.

Allele frequency attached by ClinVar (database versions not stated): TOPMed below 0.00001; gnomAD 0.00001.
gnomAD v4.1: 3 of 1,613,574 alleles (0.00019%); highest among the groups gnomAD compares: Admixed American, 0.005%; no homozygotes.

Submissions (3):

CeGaT Center for Human Genetics Tuebingen
Classification: Likely benign. Last evaluated: 2026-09-01. Review status: criteria provided, single submitter. Criteria: CeGaT Center For Human Genetics Tuebingen Variant Classification Criteria Version 2. Collection method: clinical testing. Allele origin: germline. Affected: yes. Observed: 1 variant allele.
Comment: SCN2A: BP4, BP7

Labcorp Genetics (formerly Invitae), Labcorp
Classification: Likely benign for Seizures, benign familial infantile, 3; Developmental and epileptic encephalopathy, 11. Last evaluated: 2025-03-09. Review status: criteria provided, single submitter. Criteria: Invitae Variant Classification Sherloc (09022015). Collection method: clinical testing. Allele origin: germline.

Ambry Genetics
Classification: Likely benign for Inborn genetic diseases. Last evaluated: 2019-11-20. Review status: criteria provided, single submitter. Criteria: Ambry Variant Classification Scheme 2023. Collection method: clinical testing. Allele origin: germline.

NM_001040142.2(SCN2A):c.795A>C (p.Ile265=)

Gene: SCN2A (sodium voltage-gated channel alpha subunit 2; plus strand). Cytogenetic location: 2q24.3.
Variant type: single nucleotide variant.
Coding change: c.795A>C on transcript NM_001040142.2 (MANE Select); coding-DNA position 795, A replaced by C.
Protein change: p.Ile265=; no amino-acid change (isoleucine 265 retained).
Molecular consequence: synonymous variant.
Genome position (GRCh38, 1-based): chr2:165,310,420, A>C. VCF-style: chr2-165310420-A-C. GRCh37 (hg19) VCF-style: chr2-166166930-A-C.
Other names: c.795A>C, p.Ile265= (NM_001371246.1, NM_001371247.1, NM_021007.3 and 1 more transcripts).
Identifiers: ClinVar variation 1761382 (VCV001761382.8), dbSNP rs1238039638, ClinGen allele CA429971989.